The following is an entry in ClinVar:

ClinVar aggregate classification (germline): Likely benign (1 of 4 stars; one submission).

Submission:

GeneDx
Classification: Likely benign. Last evaluated: 2018-10-09. Review status: criteria provided, single submitter. Criteria: GeneDx Variant Classification (06012015). Collection method: clinical testing. Allele origin: germline. Affected: yes.
Comment: This variant is considered likely benign or benign based on one or more of the following criteria: it is a conservative change, it occurs at a poorly conserved position in the protein, it is predicted to be benign by multiple in silico algorithms, and/or has population frequency not consistent with disease.

NM_001372044.2(SHANK3):c.1962-5dup

Genes: SHANK3 (SH3 and multiple ankyrin repeat domains 3; plus strand), LOC126863188 (CDK7 strongly-dependent group 2 enhancer GRCh37_chr22:51142004-51143203; plus strand). Cytogenetic location: 22q13.33.
Variant type: Duplication.
Coding change: c.1962-5dup on transcript NM_001372044.2; 5 bases into the intron before coding-DNA position 1962, one base duplicated (C; older notation c.1962-5dupC).
Molecular consequence: intron variant.
Genome position (GRCh38, 1-based): chr22:50,704,733, C duplicated; the last of 6 consecutive C bases (chr22:50,704,728-50,704,733); duplicating any one gives the same sequence. VCF-style (leftmost placement, unchanged base first): chr22-50704727-G-GC. GRCh37 (hg19) VCF-style: chr22-51143155-G-GC.
Identifiers: ClinVar variation 676461 (VCV000676461.1), dbSNP rs759132234, ClinGen allele CA10325653.